The following is an entry in ClinVar:

ClinVar aggregate classification (germline): Pathogenic (1 of 4 stars; one submission).

Conditions:
Jeune thoracic dystrophy. Also called: Jeune syndrome; Infantile thoracic dystrophy; Thoracic pelvic phalangeal dystrophy; Jeune's syndrome; Chondroectodermal dysplasia-like syndrome; Short-rib thoracic dysplasia. Identifiers: Orphanet 474, MedGen C0265275, MONDO:0018770.

Submission:

Labcorp Genetics (formerly Invitae), Labcorp
Classification: Pathogenic for Jeune thoracic dystrophy. Last evaluated: 2024-02-12. Review status: criteria provided, single submitter. Criteria: Invitae Variant Classification Sherloc (09022015). Collection method: clinical testing. Allele origin: germline.
Comment: This sequence change creates a premature translational stop signal (p.Pro2820_Glu2821delinsThr*) in the DYNC2H1 gene. It is expected to result in an absent or disrupted protein product. Loss-of-function variants in DYNC2H1 are known to be pathogenic (PMID: 23339108, 32753734, 33755199). Information on the frequency of this variant in the gnomAD database is not available, as this variant may be reported differently in the database. This variant has not been reported in the literature in individuals affected with DYNC2H1-related conditions. For these reasons, this variant has been classified as Pathogenic.

Literature cited by the submitters: PubMed 23339108; PubMed 32753734; PubMed 33755199.

NM_001377.3(DYNC2H1):c.8458_8461delinsACCT (p.Pro2820_Glu2821delinsThrTer)

Gene: DYNC2H1 (dynein cytoplasmic 2 heavy chain 1; plus strand). Cytogenetic location: 11q22.3.
Variant type: Indel.
Coding change: c.8458_8461delinsACCT on transcript NM_001377.3 (MANE Select); coding-DNA positions 8458 to 8461, CCTG replaced by ACCT.
Protein change: p.Pro2820_Glu2821delinsThrTer.
Molecular consequence: nonsense.
Genome position (GRCh38, 1-based): chr11:103,209,879-103,209,882, CCTG replaced by ACCT. VCF-style: chr11-103209879-CCTG-ACCT. GRCh37 (hg19) VCF-style: chr11-103080608-CCTG-ACCT.
Other names: c.8458_8461delinsACCT, p.Pro2820_Glu2821delinsThrTer (NM_001080463.2).
Identifiers: ClinVar variation 3640386 (VCV003640386.2).
Genomic context (GRCh38, chr11:103,209,879, plus strand): 5'-TTAACTTATGATATGGGACTTATACTCTTTCATAGTGATATTCTTTTTATGTTTTAGATA[CCTG>ACCT]AAATGTTATTCAGTGAAACAGGTGGTGGAGAAAAATACAATGATAAAAAACGAAAAGAAG-3'